The following is an entry in ClinVar:

NM_024589.3(ROGDI):c.646-2A>G

Gene: ROGDI (rogdi atypical leucine zipper; minus strand). Cytogenetic location: 16p13.3.
Variant type: single nucleotide variant.
Coding change: c.646-2A>G on transcript NM_024589.3 (MANE Select); the canonical splice acceptor site of the intron before coding-DNA position 646, A replaced by G.
Molecular consequence: splice acceptor variant.
Genome position (GRCh38, 1-based): chr16:4,797,989, T>C on the plus strand (A>G on the coding strand, the complement: ROGDI is on the minus strand). VCF-style: chr16-4797989-T-C. GRCh37 (hg19) VCF-style: chr16-4847990-T-C.
Identifiers: ClinVar variation 3775229 (VCV003775229.1).

ClinVar aggregate classification (germline): Pathogenic (1 of 4 stars; one submission).

Conditions:
Amelocerebrohypohidrotic syndrome (KTZS). Also called: EPILEPSY AND YELLOW TEETH; EPILEPSY, DEMENTIA, AND AMELOGENESIS IMPERFECTA; KOHLSCHUTTER SYNDROME; Kohlschutter's syndrome. Identifiers: Orphanet 1946, MedGen C0406740, MONDO:0009185, OMIM 226750.

gnomAD v4.1: 1 of 1,611,608 alleles (0.000062%); highest among the groups gnomAD compares: South Asian, 0.0011%; no homozygotes.

Submission:

3billion
Classification: Pathogenic for Amelocerebrohypohidrotic syndrome. Last evaluated: 2023-07-17. Review status: criteria provided, single submitter. Criteria: ACMG Guidelines, 2015. Collection method: clinical testing. Allele origin: germline. Affected: yes.
Comment: The variant is observed at an extremely low frequency in the gnomAD v2.1.1 dataset (total allele frequency: <0.001%). Predicted Consequence/Location: Canonical splice site: predicted to alter splicing and result in a loss or disruption of normal protein function. Multiple pathogenic loss-of-function variants are reported downstream of the variant. Therefore, this variant is classified as Pathogenic according to the recommendation of ACMG/AMP guideline.